The following is an entry in ClinVar:

ClinVar aggregate classification (germline): Conflicting classifications of pathogenicity. Review status: criteria provided, conflicting classifications (1 of 4 stars). 5 submissions from 5 submitters: Uncertain significance (4); Likely benign (1). Last evaluated 2026-06-29.

Conditions:
Cardiovascular phenotype. Identifiers: MedGen CN230736.
Dilated cardiomyopathy 1J (CMD1J). Also called: CARDIOMYOPATHY, DILATED, WITH SENSORINEURAL HEARING LOSS, AUTOSOMAL DOMINANT. Identifiers: Orphanet 217622, MedGen C1854368, MONDO:0011541, OMIM 605362.

Allele frequency attached by ClinVar (database versions not stated): gnomAD exomes 0.00002; gnomAD 0.00014 and 0.00015; ESP Exome Variant Server 0.00015; TOPMed 0.00015.
gnomAD v4.1: 48 of 1,612,936 alleles (0.003%); highest among the groups gnomAD compares: African/African-American, 0.061%; no homozygotes.

Submissions (5):

Women's Health and Genetics/Laboratory Corporation of America, LabCorp
Classification: Uncertain significance. Last evaluated: 2026-06-29. Review status: criteria provided, single submitter. Criteria: LabCorp Variant Classification Summary - May 2015. Collection method: clinical testing. Allele origin: germline.
Comment: Variant summary: EYA4 c.415T>A (p.Ser139Thr) results in a conservative amino acid change in the encoded protein sequence. Algorithms developed to predict the effect of missense changes on protein structure and function are either unavailable or do not agree on the potential impact of this missense change. The variant allele was found at a frequency of 3.2e-05 in 251100 control chromosomes. The available data on variant occurrences in the general population are insufficient to allow any conclusion about variant significance. To our knowledge, no occurrence of c.415T>A in individuals affected with EYA4-related conditions and no experimental evidence demonstrating its impact on protein function have been reported. ClinVar contains an entry for this variant (Variation ID: 654464). Based on the evidence outlined above, the variant was classified as uncertain significance.

Labcorp Genetics (formerly Invitae), Labcorp
Classification: Uncertain significance for Dilated cardiomyopathy 1J. Last evaluated: 2026-01-27. Review status: criteria provided, single submitter. Criteria: Invitae Variant Classification Sherloc (09022015). Collection method: clinical testing. Allele origin: germline.
Comment: This sequence change replaces serine, which is neutral and polar, with threonine, which is neutral and polar, at codon 139 of the EYA4 protein (p.Ser139Thr). This variant is present in population databases (rs146999911, gnomAD 0.05%). This variant has not been reported in the literature in individuals affected with EYA4-related conditions. ClinVar contains an entry for this variant (Variation ID: 654464). Invitae Evidence Modeling of protein sequence and biophysical properties (such as structural, functional, and spatial information, amino acid conservation, physicochemical variation, residue mobility, and thermodynamic stability) indicates that this missense variant is not expected to disrupt EYA4 protein function with a negative predictive value of 80%. In summary, the available evidence is currently insufficient to determine the role of this variant in disease. Therefore, it has been classified as a Variant of Uncertain Significance.

Ambry Genetics
Classification: Uncertain significance for Cardiovascular phenotype. Last evaluated: 2024-10-25. Review status: criteria provided, single submitter. Criteria: Ambry Variant Classification Scheme 2023. Collection method: clinical testing. Allele origin: germline.
Comment: The p.S139T variant (also known as c.415T>A), located in coding exon 6 of the EYA4 gene, results from a T to A substitution at nucleotide position 415. The serine at codon 139 is replaced by threonine, an amino acid with similar properties. This amino acid position is highly conserved in available vertebrate species. In addition, this alteration is predicted to be tolerated by in silico analysis. Since supporting evidence is limited at this time, the clinical significance of this alteration remains unclear.

GeneDx
Classification: Uncertain significance. Last evaluated: 2022-07-19. Review status: criteria provided, single submitter. Criteria: GeneDx Variant Classification Process June 2021. Collection method: clinical testing. Allele origin: germline. Affected: yes.
Comment: In silico analysis, which includes protein predictors and evolutionary conservation, supports that this variant does not alter protein structure/function; Has not been previously published as pathogenic or benign to our knowledge

Laboratory for Molecular Medicine, Mass General Brigham Personalized Medicine
Classification: Likely benign. Last evaluated: 2018-12-19. Review status: criteria provided, single submitter. Criteria: LMM Criteria. Collection method: clinical testing. Allele origin: germline. Observed: 1 variant allele.
Comment: The p.Ser139Thr variant in EYA4 is classified as likely benign because it has be en identified in 0.04% (12/24964) of African chromosomes by gnomAD. ACMG/AMP criteria applied: BS1.

NM_004100.5(EYA4):c.415T>A (p.Ser139Thr)

Gene: EYA4 (EYA transcriptional coactivator and phosphatase 4; plus strand). Cytogenetic location: 6q23.2.
Variant type: single nucleotide variant.
Coding change: c.415T>A on transcript NM_004100.5 (MANE Select); coding-DNA position 415, T replaced by A.
Protein change: p.Ser139Thr; replaces serine 139 with threonine.
Molecular consequence: missense variant.
Genome position (GRCh38, 1-based): chr6:133,461,158, T>A. VCF-style: chr6-133461158-T-A. GRCh37 (hg19) VCF-style: chr6-133782296-T-A.
Other names: c.253T>A, p.Ser85Thr (NM_001301012.2, NM_001370459.1); c.415T>A, p.Ser139Thr (NM_001301013.2, NM_172105.4); c.346T>A, p.Ser116Thr (NM_001370458.1, NM_172103.4); short protein forms S139T, S116T, S85T.
Identifiers: ClinVar variation 654464 (VCV000654464.24), dbSNP rs146999911, ClinGen allele CA4008054.